The following is an entry in ClinVar:

NM_000218.3(KCNQ1):c.965C>A (p.Thr322Lys)

Gene: KCNQ1 (potassium voltage-gated channel subfamily Q member 1; plus strand). Cytogenetic location: 11p15.5.
Variant type: single nucleotide variant.
Coding change: c.965C>A on transcript NM_000218.3 (MANE Select); coding-DNA position 965, C replaced by A.
Protein change: p.Thr322Lys; replaces threonine 322 with lysine.
Molecular consequence: missense variant.
Genome position (GRCh38, 1-based): chr11:2,583,478, C>A. VCF-style: chr11-2583478-C-A. GRCh37 (hg19) VCF-style: chr11-2604708-C-A.
Other names: c.965C>A (LRG_287t1); c.965C>A, p.Thr322Lys (NM_001406836.1); c.695C>A, p.Thr232Lys (NM_001406837.1); c.521C>A, p.Thr174Lys (NM_001406838.1); c.584C>A, p.Thr195Lys (NM_181798.2); short protein forms T322K, T195K, T174K, T232K.
Identifiers: ClinVar variation 53150 (VCV000053150.6), dbSNP rs199472755, ClinGen allele CA008945.
Genomic context (GRCh38, chr11:2,583,478, plus strand): 5'-TGTCCCTCTCCCTGCAGGTCACAGTCACCACCATCGGCTATGGGGACAAGGTGCCCCAGA[C>A]GTGGGTCGGGAAGACCATCGCCTCCTGCTTCTCTGTCTTTGCCATCTCCTTCTTTGCGCT-3'
Protein context (NP_000209.2, residues 312-332): TIGYGDKVPQ[Thr322Lys]WVGKTIASCF

ClinVar aggregate classification (germline): Conflicting classifications of pathogenicity. Review status: criteria provided, conflicting classifications (1 of 4 stars). 4 submissions from 4 submitters: Likely pathogenic (1); Uncertain significance (2). 1 of the submissions does not count toward it. Last evaluated 2024-09-23.

Conditions:
Cardiovascular phenotype. Identifiers: MedGen CN230736.
Familial long QT syndrome (RWS). Also called: Congenital long QT syndrome; Romano-Ward syndrome; VENTRICULAR FIBRILLATION WITH PROLONGED QT INTERVAL. Identifiers: Orphanet 768, MedGen C1141890, MONDO:0019171.
Long QT syndrome (LQTS). Identifiers: MedGen C0023976, MeSH D008133, MONDO:0002442. Disease mechanism: loss of function. Inheritance: Various modes of inheritance.
Long QT syndrome 1 (LQT1). Identifiers: Orphanet 101016, Orphanet 768, MedGen C4551647, MONDO:0100316, OMIM 192500, MONDO:0008646.

gnomAD v4.1: 2 of 1,614,018 alleles (0.00012%); highest among the groups gnomAD compares: Non-Finnish European, 0.00017%; no homozygotes.

Submissions (4):

All of Us Research Program, National Institutes of Health
Classification: Uncertain significance for Long QT syndrome. Last evaluated: 2024-09-23. Review status: criteria provided, single submitter. Criteria: ACMG Guidelines, 2015. Collection method: clinical testing. Allele origin: germline. Inheritance: Autosomal dominant inheritance. Observed: 1 variant allele, 1 heterozygote.
Comment: This study involves interpretation of variants in research participants for the purpose of population health screening. Participant phenotype was not available at the time of variant classification. Additional details can be found in publication PMID: 35346344, PMCID: PMC8962531

MVZ Martinsried, Medicover Genetics
Classification: Likely pathogenic for Long QT syndrome 1. Last evaluated: 2019-05-27. Review status: criteria provided, single submitter. Criteria: ACMG Guidelines, 2015. Collection method: clinical testing. Allele origin: unknown. Affected: yes.

Ambry Genetics
Classification: Uncertain significance for Cardiovascular phenotype. Last evaluated: 2015-09-25. Review status: criteria provided, single submitter. Criteria: Ambry Variant Classification Scheme 2023. Collection method: clinical testing. Allele origin: germline.

Cardiovascular Biomedical Research Unit, Royal Brompton & Harefield NHS Foundation Trust
No classification provided. Condition: Familial long QT syndrome. Review status: no classification provided. Collection method: literature only. Allele origin: germline. Not counted in ClinVar's aggregate classification.
Comment: This variant has been reported as associated with Long QT syndrome in the following publications (PMID:19862833). This is a literature report, and does not necessarily reflect the clinical interpretation of the Imperial College / Royal Brompton Cardiovascular Genetics laboratory.

Literature cited by the submitters: PubMed 19862833 (cited by Cardiovascular Biomedical Research Unit, Royal Brompton & Harefield NHS Foundation Trust); PubMed 22581653 (cited by Cardiovascular Biomedical Research Unit, Royal Brompton & Harefield NHS Foundation Trust).